The following is an entry in ClinVar:

ClinVar aggregate classification (germline): Uncertain significance. Review status: criteria provided, multiple submitters, no conflicts (2 of 4 stars). 2 submissions from 2 submitters: Uncertain significance (2). Last evaluated 2025-06-04.

Conditions:
TTN-related disorder. Also called: TTN-related disorders; TTN-related condition; TTN-related disease.

Allele frequency attached by ClinVar (database versions not stated): gnomAD exomes below 0.00001.
gnomAD v4.1: 1 of 1,612,084 alleles (0.000062%); highest among the groups gnomAD compares: Non-Finnish European, 0.000085%; no homozygotes.

Submissions (2):

PreventionGenetics, part of Exact Sciences
Classification: Uncertain significance for TTN-related condition. Last evaluated: 2025-06-04. Review status: criteria provided, single submitter. Criteria: ACMG Guidelines, 2015. Collection method: clinical testing. Allele origin: germline.
Comment: The TTN c.46502C>T variant is predicted to result in the amino acid substitution p.Ala15501Val. To our knowledge, this variant has not been reported in the literature or in a large population database (gnomAD), indicating this variant is rare. At this time, the clinical significance of this variant is uncertain due to the absence of conclusive functional and genetic evidence.

GeneDx
Classification: Uncertain significance. Last evaluated: 2022-04-20. Review status: criteria provided, single submitter. Criteria: GeneDx Variant Classification Process June 2021. Collection method: clinical testing. Allele origin: germline. Affected: yes.
Comment: Not observed at significant frequency in large population cohorts (gnomAD); Missense variant in a gene in which most reported pathogenic variants are truncating/loss of function; Has not been previously published as pathogenic or benign to our knowledge; This variant is associated with the following publications: (PMID: 23975875)

NM_001267550.2(TTN):c.46502C>T (p.Ala15501Val)

Genes: TTN (titin; minus strand), TTN-AS1 (TTN antisense RNA 1; plus strand). Cytogenetic location: 2q31.2.
Variant type: single nucleotide variant.
Coding change: c.46502C>T on transcript NM_001267550.2 (MANE Select); coding-DNA position 46502, C replaced by T.
Protein change: p.Ala15501Val; replaces alanine 15501 with valine.
Molecular consequence: missense variant. On other transcripts: non-coding transcript variant (1).
Genome position (GRCh38, 1-based): chr2:178,619,815, G>A on the plus strand (C>T on the coding strand, the complement: TTN is on the minus strand). VCF-style: chr2-178619815-G-A. GRCh37 (hg19) VCF-style: chr2-179484542-G-A.
Other names: c.41579C>T, p.Ala13860Val (NM_001256850.1); c.19307C>T, p.Ala6436Val (NM_003319.4); c.38798C>T, p.Ala12933Val (NM_133378.4); c.19682C>T, p.Ala6561Val (NM_133432.3); c.19883C>T, p.Ala6628Val (NM_133437.4); short protein forms A12933V, A13860V, A15501V, A6436V, A6561V, A6628V.
Identifiers: ClinVar variation 1712011 (VCV001712011.3), dbSNP rs2470974504, ClinGen allele CA349625639.